The following is an entry in ClinVar:

NM_000064.4(C3):c.3908G>A (p.Arg1303His)

Gene: C3 (complement C3; minus strand). Cytogenetic location: 19p13.3.
Variant type: single nucleotide variant.
Coding change: c.3908G>A on transcript NM_000064.4 (MANE Select); coding-DNA position 3908, G replaced by A.
Protein change: p.Arg1303His; replaces arginine 1303 with histidine.
Molecular consequence: missense variant.
Genome position (GRCh38, 1-based): chr19:6,685,049, C>T on the plus strand (G>A on the coding strand, the complement: C3 is on the minus strand). VCF-style: chr19-6685049-C-T. GRCh37 (hg19) VCF-style: chr19-6685060-C-T.
Other names: short protein forms R1303H.
Identifiers: ClinVar variation 522408 (VCV000522408.3), dbSNP rs775015499, ClinGen allele CA9128600.
Genomic context (GRCh38, chr19:6,685,049, plus strand): 5'-TCTTCTGATCGCAGGAGGCTGGCAGATTCCCAGTGGATACGGTGGGTGATCTTGGAGCTG[C>T]GGCTGGGCAGTTGGAGGGACACATCAAGGTTCAGTTCCTGGTGGTCAGGGGCGTCCTTTT-3'
Protein context (NP_000055.2, residues 1293-1313): NLDVSLQLPS[Arg1303His]SSKITHRIHW

ClinVar aggregate classification (germline): Uncertain significance. Review status: criteria provided, single submitter (1 of 4 stars). 2 submissions from 2 submitters: Uncertain significance (1). 1 of the submissions does not count toward it. Last evaluated 2025-09-30.

Conditions:
C3 glomerulonephritis. Also called: C3 GLOMERULOPATHY 3; Nephropathy due to CFHR5 Deficiency. Identifiers: Orphanet 329931, MedGen C4055342, MONDO:0013892, OMIM 614809.
Atypical hemolytic-uremic syndrome with C3 anomaly. Also called: AHUS, SUSCEPTIBILITY TO, 5. Identifiers: Orphanet 2134, MedGen C2752037, MONDO:0013043, OMIM 612925.

Submissions (2):

Genomenon, Inc
Classification: Uncertain significance for C3 glomerulonephritis. Last evaluated: 2025-09-30. Review status: criteria provided, single submitter. Criteria: Genomenon Sequence Variant Interpretation Standards. Collection method: curation. Allele origin: germline. Affected: yes.
Comment: C3 p.Arg1303His (c.3908G>A) is a missense variant that changes the amino acid at residue 1303 from Arginine to Histidine. This variant has been observed in at least one proband affected with C3 glomerulonephritis (PMID:26895476). It is absent or not present at a significant frequency in gnomAD. In silico models agree that this variant is not damaging. In conclusion, we classify C3 p.Arg1303His (c.3908G>A) as a variant of unknown significance.

Bioscientia Institut fuer Medizinische Diagnostik GmbH, Sonic Healthcare
Classification: Likely pathogenic for Atypical hemolytic-uremic syndrome with C3 anomaly. Last evaluated: 2017-09-18. Review status: no assertion criteria provided. Collection method: clinical testing. Allele origin: germline. Affected: yes. Not counted in ClinVar's aggregate classification.

Literature cited by the submitters: PubMed 26895476 (cited by Genomenon, Inc).